The following is an entry in ClinVar:

NM_004304.5(ALK):c.4851G>T (p.Gln1617His)

Gene: ALK (ALK receptor tyrosine kinase; minus strand). Cytogenetic location: 2p23.2.
Variant type: single nucleotide variant.
Coding change: c.4851G>T on transcript NM_004304.5 (MANE Select); coding-DNA position 4851, G replaced by T.
Protein change: p.Gln1617His; replaces glutamine 1617 with histidine.
Molecular consequence: missense variant.
Genome position (GRCh38, 1-based): chr2:29,193,236, C>A on the plus strand (G>T on the coding strand, the complement: ALK is on the minus strand). VCF-style: chr2-29193236-C-A. GRCh37 (hg19) VCF-style: chr2-29416102-C-A.
Other names: c.1647G>T, p.Gln549His (NM_001353765.2); short protein forms Q1617H, Q549H.
Identifiers: ClinVar variation 2736119 (VCV002736119.3), dbSNP rs1302653514, ClinGen allele CA346460010.

ClinVar aggregate classification (germline): Uncertain significance (1 of 4 stars; one submission).

Conditions:
Neuroblastoma, susceptibility to, 3. Also called: ALK-Related Neuroblastic Tumor Susceptibility. Identifiers: Orphanet 635, MedGen C2751681, MONDO:0013083, OMIM 613014.

gnomAD v4.1: 1 of 1,614,104 alleles (0.000062%); highest among the groups gnomAD compares: Non-Finnish European, 0.000085%; no homozygotes.

Submission:

Labcorp Genetics (formerly Invitae), Labcorp
Classification: Uncertain significance for Neuroblastoma, susceptibility to, 3. Last evaluated: 2023-07-06. Review status: criteria provided, single submitter. Criteria: Invitae Variant Classification Sherloc (09022015). Collection method: clinical testing. Allele origin: germline.
Comment: In summary, the available evidence is currently insufficient to determine the role of this variant in disease. Therefore, it has been classified as a Variant of Uncertain Significance. Algorithms developed to predict the effect of missense changes on protein structure and function output the following: SIFT: "Not Available"; PolyPhen-2: "Benign"; Align-GVGD: "Not Available". The histidine amino acid residue is found in multiple mammalian species, which suggests that this missense change does not adversely affect protein function. This variant has not been reported in the literature in individuals affected with ALK-related conditions. This variant is not present in population databases (gnomAD no frequency). This sequence change replaces glutamine, which is neutral and polar, with histidine, which is basic and polar, at codon 1617 of the ALK protein (p.Gln1617His).